The following is an entry in ClinVar:

ClinVar aggregate classification (germline): Pathogenic (1 of 4 stars; one submission).

Conditions:
Hereditary breast ovarian cancer syndrome. Also called: Hereditary breast and ovarian cancer; Breast and ovarian cancer; Hereditary breast and ovarian cancer syndrome; BRCA1- and BRCA2-Associated Hereditary Breast and Ovarian Cancer; Hereditary breast and/or ovarian cancer syndrome; Hereditary breast and ovarian cancer syndrome (HBOC). Identifiers: Orphanet 145, MedGen C0677776, MeSH D061325, MONDO:0003582. Disease mechanism: loss of function.

Submission:

Labcorp Genetics (formerly Invitae), Labcorp
Classification: Pathogenic for Hereditary breast ovarian cancer syndrome. Last evaluated: 2018-05-13. Review status: criteria provided, single submitter. Criteria: Invitae Variant Classification Sherloc (09022015). Collection method: clinical testing. Allele origin: germline.
Comment: This sequence change creates a premature translational stop signal (p.Glu1214Glyfs*21) in the BRCA1 gene. It is expected to result in an absent or disrupted protein product. For these reasons, this variant has been classified as Pathogenic. Loss-of-function variants in BRCA1 are known to be pathogenic (PMID: 20104584). This variant has not been reported in the literature in individuals with BRCA1-related disease. This variant is not present in population databases (ExAC no frequency).

Literature cited by the submitters: PubMed 20104584.

NM_007294.4(BRCA1):c.3641del (p.Glu1214fs)

Genes: BRCA1 (BRCA1 DNA repair associated; minus strand), LOC126862571 (BRD4-independent group 4 enhancer GRCh37_chr17:41243136-41244335; plus strand). Cytogenetic location: 17q21.31.
Variant type: Deletion.
Coding change: c.3641del on transcript NM_007294.4 (MANE Select); coding-DNA position 3641, one base deleted (A; older notation c.3641delA).
Protein change: p.Glu1214fs; shifts the reading frame from glutamic acid 1214.
Molecular consequence: frameshift variant. On other transcripts: intron variant (135).
Genome position (GRCh38, 1-based): chr17:43,091,890, T deleted on the plus strand (A on the coding strand, the reverse complement: BRCA1 is on the minus strand). VCF-style (leftmost placement, unchanged base first): chr17-43091889-CT-C. GRCh37 (hg19) VCF-style: chr17-41243906-CT-C.
Other names: c.3500del, p.Glu1167fs (NM_001407852.1, NM_001407731.1, NM_001407732.1 and 29 more transcripts); c.3518del, p.Glu1173fs (NM_001407680.1, NM_001407681.1, NM_001407683.1 and 19 more transcripts); c.3428del, p.Glu1143fs (NM_001407853.1, NM_001407894.1, NM_001407895.1 and 9 more transcripts); c.3641del, p.Glu1214fs (NM_001407854.1, NM_001407684.1, NM_001407859.1 and 30 more transcripts); c.3638del, p.Glu1213fs (NM_001407860.1, NM_001407861.1, NM_001407610.1 and 22 more transcripts); c.3515del, p.Glu1172fs (NM_001407685.1, NM_001407686.1, NM_001407687.1 and 11 more transcripts); c.3440del, p.Glu1147fs (NM_001407862.1); c.3563del, p.Glu1188fs (NM_001407653.1, NM_001407654.1, NM_001407655.1 and 4 more transcripts); and 41 more; short protein forms E1167fs, E1214fs, E1087fs, E1172fs, E1188fs, E1102fs, E1125fs, E1166fs.
Identifiers: ClinVar variation 575828 (VCV000575828.8), dbSNP rs1567790791, ClinGen allele CA891843726.